The following is an entry in ClinVar:

NM_001042492.3(NF1):c.7063-4A>G

Gene: NF1 (neurofibromin 1; plus strand). Cytogenetic location: 17q11.2.
Variant type: single nucleotide variant.
Coding change: c.7063-4A>G on transcript NM_001042492.3 (MANE Select); 4 bases into the intron before coding-DNA position 7063, A replaced by G.
Molecular consequence: intron variant.
Genome position (GRCh38, 1-based): chr17:31,343,005, A>G. VCF-style: chr17-31343005-A-G. GRCh37 (hg19) VCF-style: chr17-29670023-A-G.
Other names: c.7000-4A>G (NM_000267.4).
Identifiers: ClinVar variation 873037 (VCV000873037.15), dbSNP rs749805168, ClinGen allele CA8487496.
Genomic context (GRCh38, chr17:31,343,005, plus strand): 5'-AGTGAGCCTTTAAAGAAAGCTACTGTGTGAACCTCATCAACCATCTCATGATTATCTTTA[A>G]TAGAGTCCAGAGGAAGTATTTATGGCAATCCGGAATCCTCTGGAGTGGCACTGCAAGCAA-3'

ClinVar aggregate classification (germline): Pathogenic/Likely pathogenic. Review status: criteria provided, multiple submitters, no conflicts (2 of 4 stars). 4 submissions from 4 submitters: Pathogenic (1); Likely pathogenic (3). Last evaluated 2026-05-13.

Conditions:
Hereditary cancer-predisposing syndrome. Also called: Tumor predisposition; Neoplastic Syndromes, Hereditary; Hereditary neoplastic syndrome; Hereditary Cancer Syndrome. Identifiers: Orphanet 140162, MedGen C0027672, MeSH D009386, MONDO:0015356.
Cardiovascular phenotype. Identifiers: MedGen CN230736.
Neurofibromatosis, type 1 (NF1). Also called: Peripheral type neurofibromatosis; Neurofibromatosis, type I; NEUROFIBROMATOSIS, TYPE I, SOMATIC; VON RECKLINGHAUSEN DISEASE. Identifiers: Orphanet 636, MedGen C0027831, MONDO:0018975, OMIM 162200. Disease mechanism: loss of function.

Allele frequency attached by ClinVar (database versions not stated): gnomAD exomes below 0.00001; ExAC 0.00001.
gnomAD v4.1: 1 of 1,614,106 alleles (0.000062%); highest among the groups gnomAD compares: Admixed American, 0.0017%; no homozygotes.

Submissions (4):

Ambry Genetics
Classification: Likely pathogenic for Cardiovascular phenotype; Hereditary cancer-predisposing syndrome. Last evaluated: 2026-05-13. Review status: criteria provided, single submitter. Criteria: Ambry Variant Classification Scheme 2023. Collection method: clinical testing. Allele origin: germline.
Comment: The c.7000-4A>G intronic variant results from an A to G substitution 4 nucleotides upstream from coding exon 47 in the NF1 gene. This variant was reported in individual(s) with features consistent with neurofibromatosis type 1 (NF1) (Wimmer K et al. Hum Mutat, 2007 Jun;28:599-612; External communication). This nucleotide position is not well conserved in available vertebrate species. In silico splice site analysis predicts that this alteration will result in the creation or strengthening of a novel splice acceptor site. RNA studies have shown that this variant results in the creation of a novel acceptor site (Wimmer K et al. Hum Mutat, 2007 Jun;28:599-612; Wimmer K et al. Hum Mutat, 2020 Jun;41:1145-1156). Based on the majority of available evidence to date, this variant is likely to be pathogenic.

GeneDx
Classification: Likely pathogenic. Last evaluated: 2025-06-10. Review status: criteria provided, single submitter. Criteria: GeneDx Variant Classification Process June 2021. Collection method: clinical testing. Allele origin: germline. Affected: yes.
Comment: This variant is associated with the following publications: (PMID: 17311297, 32126153)

Labcorp Genetics (formerly Invitae), Labcorp
Classification: Likely pathogenic for Neurofibromatosis, type 1. Last evaluated: 2024-10-28. Review status: criteria provided, single submitter. Criteria: Invitae Variant Classification Sherloc (09022015). Collection method: clinical testing. Allele origin: germline.
Comment: This sequence change falls in intron 46 of the NF1 gene. It does not directly change the encoded amino acid sequence of the NF1 protein. RNA analysis indicates that this variant induces altered splicing and may result in an absent or altered protein product. This variant is present in population databases (rs749805168, gnomAD 0.003%). This variant has been observed in individual(s) with neurofibromatosis type 1 (PMID: 17311297, 32126153; external communication). ClinVar contains an entry for this variant (Variation ID: 873037). Studies have shown that this variant results in activation of a cryptic splice site, and produces a non-functional protein and/or introduces a premature termination codon (PMID: 17311297, 32126153; external communication). In summary, the currently available evidence indicates that the variant is pathogenic, but additional data are needed to prove that conclusively. Therefore, this variant has been classified as Likely Pathogenic.

Institute of Human Genetics, Medical University Innsbruck
Classification: Pathogenic for Neurofibromatosis, type 1. Last evaluated: 2020-01-20. Review status: criteria provided, single submitter. Criteria: ACMG Guidelines, 2015. Collection method: clinical testing. Allele origin: germline. Affected: yes.

Literature cited by the submitters: PubMed 17311297 (cited by Ambry Genetics and Labcorp Genetics (formerly Invitae), Labcorp); PubMed 32126153 (cited by Ambry Genetics and Labcorp Genetics (formerly Invitae), Labcorp); DOI 10.1002/humu.24005 (cited by Institute of Human Genetics, Medical University Innsbruck).